The following is an entry in ClinVar:

NM_018365.4(MNS1):c.164A>C (p.Gln55Pro)

Gene: MNS1 (meiosis specific nuclear structural 1; minus strand). Cytogenetic location: 15q21.3.
Variant type: single nucleotide variant.
Coding change: c.164A>C on transcript NM_018365.4 (MANE Select); coding-DNA position 164, A replaced by C.
Protein change: p.Gln55Pro; replaces glutamine 55 with proline.
Molecular consequence: missense variant.
Genome position (GRCh38, 1-based): chr15:56,464,087, T>G on the plus strand (A>C on the coding strand, the complement: MNS1 is on the minus strand). VCF-style: chr15-56464087-T-G. GRCh37 (hg19) VCF-style: chr15-56756285-T-G.
Other names: short protein forms Q55P.
Identifiers: ClinVar variation 1235303 (VCV001235303.4), dbSNP rs1715919, ClinGen allele CA7579659.

ClinVar aggregate classification (germline): Benign. Review status: criteria provided, multiple submitters, no conflicts (2 of 4 stars). 2 submissions from 2 submitters: Benign (2). Last evaluated 2019-04-19.

Allele frequency attached by ClinVar (database versions not stated): 1000 Genomes Project 30x 0.05340; 1000 Genomes Project 0.05351; gnomAD 0.07131 and 0.07176; TOPMed 0.07170; ExAC 0.07828; gnomAD exomes 0.07829; ESP Exome Variant Server 0.08115.
gnomAD v4.1: 148,353 of 1,613,784 alleles (9.2%); highest among the groups gnomAD compares: Non-Finnish European, 10%; 7,330 homozygotes.

Submissions (2):

GeneDx
Classification: Benign. Last evaluated: 2019-04-19. Review status: criteria provided, single submitter. Criteria: GeneDx Variant Classification Process June 2021. Collection method: clinical testing. Allele origin: germline. Affected: yes.
Comment: This variant is associated with the following publications: (PMID: 30389748)

Breakthrough Genomics
Classification: Benign. Review status: criteria provided, single submitter. Criteria: ACMG Guidelines, 2015. Collection method: not provided. Allele origin: germline. Inheritance: Autosomal recessive inheritance. Affected: yes.